The following is an entry in ClinVar:

ClinVar aggregate classification (germline): Uncertain significance. Review status: criteria provided, multiple submitters, no conflicts (2 of 4 stars). 2 submissions from 2 submitters: Uncertain significance (2). Last evaluated 2025-07-31.

Submissions (2):

Ambry Genetics
Classification: Uncertain significance. Last evaluated: 2025-07-31. Review status: criteria provided, single submitter. Criteria: Ambry Variant Classification Scheme 2023. Collection method: clinical testing. Allele origin: germline.

Labcorp Genetics (formerly Invitae), Labcorp
Classification: Uncertain significance. Last evaluated: 2024-06-05. Review status: criteria provided, single submitter. Criteria: Invitae Variant Classification Sherloc (09022015). Collection method: clinical testing. Allele origin: germline.
Comment: This sequence change replaces arginine, which is basic and polar, with tryptophan, which is neutral and slightly polar, at codon 102 of the CEP89 protein (p.Arg102Trp). This variant is present in population databases (rs751777998, gnomAD 0.006%). This variant has not been reported in the literature in individuals affected with CEP89-related conditions. An algorithm developed to predict the effect of missense changes on protein structure and function (PolyPhen-2) suggests that this variant is likely to be disruptive. In summary, the available evidence is currently insufficient to determine the role of this variant in disease. Therefore, it has been classified as a Variant of Uncertain Significance.

NM_032816.5(CEP89):c.304C>T (p.Arg102Trp)

Gene: CEP89 (centrosomal protein 89; minus strand). Cytogenetic location: 19q13.11.
Variant type: single nucleotide variant.
Coding change: c.304C>T on transcript NM_032816.5 (MANE Select); coding-DNA position 304, C replaced by T.
Protein change: p.Arg102Trp; replaces arginine 102 with tryptophan.
Molecular consequence: missense variant.
Genome position (GRCh38, 1-based): chr19:32,959,901, G>A on the plus strand (C>T on the coding strand, the complement: CEP89 is on the minus strand). VCF-style: chr19-32959901-G-A. GRCh37 (hg19) VCF-style: chr19-33450807-G-A.
Other names: c.304C>T (NM_032816.3); short protein forms R102W.
Identifiers: ClinVar variation 3621956 (VCV003621956.3).